The following is an entry in ClinVar:

NM_000552.5(VWF):c.1817G>A (p.Arg606Gln)

Gene: VWF (von Willebrand factor; minus strand). Cytogenetic location: 12p13.31.
Variant type: single nucleotide variant.
Coding change: c.1817G>A on transcript NM_000552.5 (MANE Select); coding-DNA position 1817, G replaced by A.
Protein change: p.Arg606Gln; replaces arginine 606 with glutamine.
Molecular consequence: missense variant.
Genome position (GRCh38, 1-based): chr12:6,056,985, C>T on the plus strand (G>A on the coding strand, the complement: VWF is on the minus strand). VCF-style: chr12-6056985-C-T. GRCh37 (hg19) VCF-style: chr12-6166151-C-T.
Other names: p.Arg606Gln; c.1817G>A (NM_000552.4); short protein forms R606Q.
Identifiers: ClinVar variation 391499 (VCV000391499.22), dbSNP rs200586078, ClinGen allele CA6403256.
Genomic context (GRCh38, chr12:6,056,985, plus strand): 5'-AGGGCGCCGCACAGGCACTCGCGGCCGTCCGAGCAGGAGCACACGTCGTAGCGGCAGTTC[C>T]GCAGGTAGGGCAGCGGGCTGACGGCACGATGGCAGGCCTCGAATGTGGGGGACGTCAGGA-3'
Protein context (NP_000543.3, residues 596-616): HRAVSPLPYL[Arg606Gln]NCRYDVCSCS

ClinVar aggregate classification (germline): Conflicting classifications of pathogenicity. Review status: criteria provided, conflicting classifications (1 of 4 stars). 9 submissions from 9 submitters: Uncertain significance (5); Likely benign (3). 1 of the submissions does not count toward it. Last evaluated 2026-04-14.

Conditions:
VWF-related disorder. Also called: VWF-related disorders; VWF-related condition.
von Willebrand disease type 2 (VWD2). Also called: VON WILLEBRAND DISEASE, TYPE 2A/IIE; VON WILLEBRAND DISEASE, TYPE 2CB; VON WILLEBRAND DISEASE, TYPE II; VWD, TYPE 2. Identifiers: Orphanet 166081, Orphanet 903, MedGen C1264040, MONDO:0013304, OMIM 613554.
von Willebrand disease type 1 (VWD1). Also called: VON WILLEBRAND DISEASE, TYPE I; VWD, TYPE 1. Identifiers: Orphanet 166078, Orphanet 903, MedGen C1264039, MONDO:0008668, OMIM 193400. Inheritance: autosomal recessive or autosomal dominant.
von Willebrand disease type 3 (VWD3). Also called: Type 3 Von Willebrand's disease; Type 3 VWD; Von Willebrand disease, severe form; V WD3; VON WILLEBRAND DISEASE, TYPE III. Identifiers: Orphanet 166096, MedGen C1264041, MONDO:0010191, OMIM 277480.

Allele frequency attached by ClinVar (database versions not stated): gnomAD exomes 0.00021; ExAC 0.00051; ESP Exome Variant Server 0.00081; gnomAD 0.00123 and 0.00127; 1000 Genomes Project 30x 0.00141; TOPMed 0.00148; 1000 Genomes Project 0.00200.
gnomAD v4.1: 346 of 1,545,114 alleles (0.022%); highest among the groups gnomAD compares: African/African-American, 0.4%; 1 homozygote.

Submissions (9):

Women's Health and Genetics/Laboratory Corporation of America, LabCorp
Classification: Likely benign. Last evaluated: 2026-04-14. Review status: criteria provided, single submitter. Criteria: LabCorp Variant Classification Summary - May 2015. Collection method: clinical testing. Allele origin: germline.
Comment: Variant summary: VWF c.1817G>A (p.Arg606Gln) results in a conservative amino acid change located in the VWF/SSPO/Zonadhesin-like, cysteine-rich domain (IPR014853) of the encoded protein sequence. Algorithms developed to predict the effect of missense changes on protein structure and function all suggest that this variant is likely to be tolerated. The variant allele was found at a frequency of 0.00021 in 144058 control chromosomes, predominantly at a frequency of 0.0034 within the African or African-American subpopulation in the gnomAD database. The observed variant frequency within African or African-American control individuals in the gnomAD database exceeds the estimated maximal expected allele frequency for disease-causing variants in VWF. To our knowledge, no occurrence of c.1817G>A in individuals affected with VWF-related conditions and no experimental evidence demonstrating its impact on protein function have been reported. ClinVar contains an entry for this variant (Variation ID: 391499). Based on the evidence outlined above, the variant was classified as likely benign.

Mayo Clinic Laboratories, Mayo Clinic
Classification: Likely benign. Last evaluated: 2025-09-19. Review status: criteria provided, single submitter. Criteria: ACMG Guidelines, 2015. Collection method: clinical testing. Allele origin: germline. Observed: 1 variant allele.
Comment: BS1, BP4_moderate

Quest Diagnostics Nichols Institute San Juan Capistrano
Classification: Uncertain significance. Last evaluated: 2025-01-31. Review status: criteria provided, single submitter. Criteria: Quest Diagnostics criteria. Collection method: clinical testing. Allele origin: unknown.
Comment: The VWF c.1817G>A (p.Arg606Gln) variant has not been reported in the published literature in individuals with vWF-related conditions. The frequency of this variant in the general population (Genome Aggregation Database) is uninformative in the assessment of its pathogenicity. Analysis of this variant using bioinformatics tools for the prediction of the effect of amino acid changes on protein structure and function yielded predictions that this variant is benign. Additional analysis using software algorithms for the prediction of the effect of nucleotide changes on VWF mRNA splicing yielded predictions that this variant may result in the gain of a cryptic splice site without affecting the natural splice sites. Based on the available information, we are unable to determine the clinical significance of this variant.

Blueprint Genetics
Classification: Likely benign. Last evaluated: 2024-08-06. Review status: criteria provided, single submitter. Criteria: ACMG Guidelines, 2015. Collection method: clinical testing. Allele origin: germline.

ARUP Laboratories, Molecular Genetics and Genomics, ARUP Laboratories
Classification: Uncertain significance. Last evaluated: 2024-06-19. Review status: criteria provided, single submitter. Criteria: ARUP Molecular Germline Variant Investigation Process 2024. Collection method: clinical testing. Allele origin: germline.
Comment: The VWF c.1817G>A; p.Arg606Gln variant (rs200586078), to our knowledge, is not reported in the medical literature but is reported in ClinVar (Variation ID: 391499). This variant is found in the general population with an overall allele frequency of 0.05% (82/175422 alleles) in the Genome Aggregation Database (v2.1.1). Computational analyses are uncertain whether this variant is neutral or deleterious (REVEL: 0.175). Due to limited information, the clinical significance of this variant is uncertain at this time.

GeneDx
Classification: Uncertain significance. Last evaluated: 2023-06-01. Review status: criteria provided, single submitter. Criteria: GeneDx Variant Classification Process June 2021. Collection method: clinical testing. Allele origin: germline. Affected: yes.
Comment: In silico analysis supports that this missense variant does not alter protein structure/function; Has not been previously published as pathogenic or benign to our knowledge

Fulgent Genetics
Classification: Uncertain significance for von Willebrand disease type 1; von Willebrand disease type 3; von Willebrand disease type 2. Last evaluated: 2021-07-22. Review status: criteria provided, single submitter. Criteria: ACMG Guidelines, 2015. Collection method: clinical testing. Allele origin: unknown.

Genetic Services Laboratory, University of Chicago
Classification: Uncertain significance. Last evaluated: 2019-02-19. Review status: criteria provided, single submitter. Criteria: ACMG Guidelines, 2015. Collection method: clinical testing. Allele origin: germline. Affected: no.

PreventionGenetics, part of Exact Sciences
Classification: Likely benign for VWF-related condition. Last evaluated: 2024-08-29. Review status: no assertion criteria provided. Collection method: clinical testing. Allele origin: germline. Not counted in ClinVar's aggregate classification.
Comment: This variant is classified as likely benign based on ACMG/AMP sequence variant interpretation guidelines (Richards et al. 2015 PMID: 25741868, with internal and published modifications).

Literature cited by the submitters: PubMed 26420797 (cited by Quest Diagnostics Nichols Institute San Juan Capistrano).